The following is an entry in ClinVar:

ClinVar aggregate classification (germline): Likely pathogenic (1 of 4 stars; one submission).

Allele frequency attached by ClinVar (database versions not stated): gnomAD exomes below 0.00001; gnomAD 0.00001; TOPMed 0.00002.
gnomAD v4.1: 7 of 1,612,244 alleles (0.00043%); highest among the groups gnomAD compares: Non-Finnish European, 0.00051%; no homozygotes.

Submission:

Labcorp Genetics (formerly Invitae), Labcorp
Classification: Likely pathogenic. Last evaluated: 2024-03-21. Review status: criteria provided, single submitter. Criteria: Invitae Variant Classification Sherloc (09022015). Collection method: clinical testing. Allele origin: germline.
Comment: This sequence change affects a donor splice site in intron 15 of the DYM gene. It is expected to disrupt RNA splicing. Variants that disrupt the donor or acceptor splice site typically lead to a loss of protein function (PMID: 16199547), and loss-of-function variants in DYM are known to be pathogenic (PMID: 12491225, 12554689, 18996921). This variant is not present in population databases (gnomAD no frequency). Disruption of this splice site has been observed in individual(s) with clinical features of DYM-related conditions (Invitae). Algorithms developed to predict the effect of sequence changes on RNA splicing suggest that this variant may disrupt the consensus splice site. In summary, the currently available evidence indicates that the variant is pathogenic, but additional data are needed to prove that conclusively. Therefore, this variant has been classified as Likely Pathogenic.

Literature cited by the submitters: PubMed 16199547; PubMed 12491225; PubMed 12554689; PubMed 18996921.

NM_001353214.3(DYM):c.1911+2T>C

Gene: DYM (dymeclin; minus strand). Cytogenetic location: 18q21.1.
Variant type: single nucleotide variant.
Coding change: c.1911+2T>C on transcript NM_001353214.3 (MANE Select); the canonical splice donor site of the intron after coding-DNA position 1911, T replaced by C.
Molecular consequence: splice donor variant. On other transcripts: intron variant (5).
Genome position (GRCh38, 1-based): chr18:49,118,742, A>G on the plus strand (T>C on the coding strand, the complement: DYM is on the minus strand). VCF-style: chr18-49118742-A-G. GRCh37 (hg19) VCF-style: chr18-46645112-A-G.
Other names: c.1558-21227T>C (NM_001374439.1); c.1905+2T>C (NM_001374429.1); c.1743+2T>C (NM_001353211.3, NM_001374435.1, NM_001353210.3); c.1908+2T>C (NM_001353212.3, NM_001353213.3); c.1173+2T>C (NM_001374443.1); c.994-21227T>C (NM_001374444.1); c.1176+2T>C (NM_001374442.1); c.1341+2T>C (NM_001374441.1); and 9 more.
Identifiers: ClinVar variation 2909362 (VCV002909362.3), dbSNP rs1316990533, ClinGen allele CA402506917.